The following is an entry in ClinVar:

NM_206933.4(USH2A):c.5582G>T (p.Gly1861Val)

Genes: USH2A (usherin; minus strand), USH2A-AS2 (USH2A antisense RNA 2; plus strand). Cytogenetic location: 1q41.
Variant type: single nucleotide variant.
Coding change: c.5582G>T on transcript NM_206933.4 (MANE Select); coding-DNA position 5582, G replaced by T.
Protein change: p.Gly1861Val; replaces glycine 1861 with valine.
Molecular consequence: missense variant.
Genome position (GRCh38, 1-based): chr1:216,073,291, C>A on the plus strand (G>T on the coding strand, the complement: USH2A is on the minus strand). VCF-style: chr1-216073291-C-A. GRCh37 (hg19) VCF-style: chr1-216246633-C-A.
Other names: short protein forms G1861V.
Identifiers: ClinVar variation 2703558 (VCV002703558.3), dbSNP rs2527778592, ClinGen allele CA344855015.

ClinVar aggregate classification (germline): Likely pathogenic (1 of 4 stars; one submission).

Allele frequency attached by ClinVar (database versions not stated): gnomAD exomes below 0.00001.
gnomAD v4.1: 1 of 1,612,966 alleles (0.000062%); highest among the groups gnomAD compares: Non-Finnish European, 0.000085%; no homozygotes.

Submission:

Labcorp Genetics (formerly Invitae), Labcorp
Classification: Likely pathogenic. Last evaluated: 2023-06-09. Review status: criteria provided, single submitter. Criteria: Invitae Variant Classification Sherloc (09022015). Collection method: clinical testing. Allele origin: germline.
Comment: This variant has not been reported in the literature in individuals affected with USH2A-related conditions. This sequence change replaces glycine, which is neutral and non-polar, with valine, which is neutral and non-polar, at codon 1861 of the USH2A protein (p.Gly1861Val). This variant is not present in population databases (gnomAD no frequency). Advanced modeling of protein sequence and biophysical properties (such as structural, functional, and spatial information, amino acid conservation, physicochemical variation, residue mobility, and thermodynamic stability) performed at Invitae indicates that this missense variant is expected to disrupt USH2A protein function. This variant disrupts the p.Gly1861 amino acid residue in USH2A. Other variant(s) that disrupt this residue have been determined to be pathogenic (PMID: 23737954, 25356976, 26310143, 26338283). This suggests that this residue is clinically significant, and that variants that disrupt this residue are likely to be disease-causing. In summary, the currently available evidence indicates that the variant is pathogenic, but additional data are needed to prove that conclusively. Therefore, this variant has been classified as Likely Pathogenic.

Literature cited by the submitters: PubMed 23737954; PubMed 25356976; PubMed 26310143; PubMed 26338283.